The following is an entry in ClinVar:

ClinVar aggregate classification (germline): Uncertain significance (1 of 4 stars; one submission).

Allele frequency attached by ClinVar (database versions not stated): gnomAD exomes below 0.00001.
gnomAD v4.1: 1 of 1,610,344 alleles (0.000062%); highest among the groups gnomAD compares: Non-Finnish European, 0.000085%; no homozygotes.

Submission:

Labcorp Genetics (formerly Invitae), Labcorp
Classification: Uncertain significance. Last evaluated: 2022-08-23. Review status: criteria provided, single submitter. Criteria: Invitae Variant Classification Sherloc (09022015). Collection method: clinical testing. Allele origin: germline.
Comment: This sequence change replaces glutamic acid, which is acidic and polar, with lysine, which is basic and polar, at codon 66 of the MYSM1 protein (p.Glu66Lys). This variant is not present in population databases (gnomAD no frequency). This variant has not been reported in the literature in individuals affected with MYSM1-related conditions. ClinVar contains an entry for this variant (Variation ID: 1400392). Algorithms developed to predict the effect of missense changes on protein structure and function are either unavailable or do not agree on the potential impact of this missense change (SIFT: "Tolerated"; PolyPhen-2: "Possibly Damaging"; Align-GVGD: "Class C0"). In summary, the available evidence is currently insufficient to determine the role of this variant in disease. Therefore, it has been classified as a Variant of Uncertain Significance.

NM_001085487.3(MYSM1):c.196G>A (p.Glu66Lys)

Gene: MYSM1 (Myb like, SWIRM and MPN domains 1; minus strand). Cytogenetic location: 1p32.1.
Variant type: single nucleotide variant.
Coding change: c.196G>A on transcript NM_001085487.3 (MANE Select); coding-DNA position 196, G replaced by A.
Protein change: p.Glu66Lys; replaces glutamic acid 66 with lysine.
Molecular consequence: missense variant.
Genome position (GRCh38, 1-based): chr1:58,692,883, C>T on the plus strand (G>A on the coding strand, the complement: MYSM1 is on the minus strand). VCF-style: chr1-58692883-C-T. GRCh37 (hg19) VCF-style: chr1-59158555-C-T.
Other names: short protein forms E66K.
Identifiers: ClinVar variation 1400392 (VCV001400392.5), dbSNP rs2100679007, ClinGen allele CA340533379.